The following is an entry in ClinVar:

ClinVar aggregate classification (germline): Uncertain significance. Review status: criteria provided, multiple submitters, no conflicts (2 of 4 stars). 3 submissions from 3 submitters: Uncertain significance (3). Last evaluated 2025-02-27.

Conditions:
Inborn genetic diseases. Identifiers: MedGen C0950123, MeSH D030342.

Allele frequency attached by ClinVar (database versions not stated): gnomAD exomes 0.00001.

Submissions (3):

Ambry Genetics
Classification: Uncertain significance for Inborn genetic diseases. Last evaluated: 2025-02-27. Review status: criteria provided, single submitter. Criteria: Ambry Variant Classification Scheme 2023. Collection method: clinical testing. Allele origin: germline.

GeneDx
Classification: Uncertain significance. Last evaluated: 2024-01-16. Review status: criteria provided, single submitter. Criteria: GeneDx Variant Classification Process June 2021. Collection method: clinical testing. Allele origin: germline. Affected: yes.
Comment: In silico analysis supports that this missense variant does not alter protein structure/function; Has not been previously published as pathogenic or benign to our knowledge

Labcorp Genetics (formerly Invitae), Labcorp
Classification: Uncertain significance. Last evaluated: 2022-07-14. Review status: criteria provided, single submitter. Criteria: Invitae Variant Classification Sherloc (09022015). Collection method: clinical testing. Allele origin: germline.
Comment: This sequence change replaces aspartic acid, which is acidic and polar, with asparagine, which is neutral and polar, at codon 1644 of the OBSL1 protein (p.Asp1644Asn). This variant is present in population databases (no rsID available, gnomAD 0.004%). This variant has not been reported in the literature in individuals affected with OBSL1-related conditions. Algorithms developed to predict the effect of missense changes on protein structure and function output the following: SIFT: "Tolerated"; PolyPhen-2: "Benign"; Align-GVGD: "Class C0". The asparagine amino acid residue is found in multiple mammalian species, which suggests that this missense change does not adversely affect protein function. In summary, the available evidence is currently insufficient to determine the role of this variant in disease. Therefore, it has been classified as a Variant of Uncertain Significance.

NM_015311.3(OBSL1):c.4930G>A (p.Asp1644Asn)

Gene: OBSL1 (obscurin like cytoskeletal adaptor 1; minus strand). Cytogenetic location: 2q35.
Variant type: single nucleotide variant.
Coding change: c.4930G>A on transcript NM_015311.3 (MANE Select); coding-DNA position 4930, G replaced by A.
Protein change: p.Asp1644Asn; replaces aspartic acid 1644 with asparagine.
Molecular consequence: missense variant.
Genome position (GRCh38, 1-based): chr2:219,553,633, C>T on the plus strand (G>A on the coding strand, the complement: OBSL1 is on the minus strand). VCF-style: chr2-219553633-C-T. GRCh37 (hg19) VCF-style: chr2-220418355-C-T.
Other names: c.4930G>A (NM_015311.2); short protein forms D1644N.
Identifiers: ClinVar variation 1943797 (VCV001943797.7), dbSNP rs1397021949, ClinGen allele CA350721837.
Genomic context (GRCh38, chr2:219,553,633, plus strand): 5'-CCTTCTCCCAGGTAACATCAGCCAAAGCTTGGGAAAGCTCGCACTCGAACGTAGCTGTGT[C>T]GCCCTCGGTCACCTCTAGGTCGTGTGGCCCCCGCACGATGGTCACTGGGACCTCTGGGGG-3'
Protein context (NP_056126.1, residues 1634-1654): GPHDLEVTEG[Asp1644Asn]TATFECELSQ